The following is an entry in ClinVar:

ClinVar aggregate classification (germline): Uncertain significance (1 of 4 stars; one submission).

Conditions:
Inborn genetic diseases. Identifiers: MedGen C0950123, MeSH D030342.

Submission:

Ambry Genetics
Classification: Uncertain significance for Inborn genetic diseases. Last evaluated: 2026-06-20. Review status: criteria provided, single submitter. Criteria: Ambry Variant Classification Scheme 2023. Collection method: clinical testing. Allele origin: germline.
Comment: The p.V77G variant (also known as c.230T>G), located in coding exon 3 of the FANCA gene, results from a T to G substitution at nucleotide position 230. The valine at codon 77 is replaced by glycine, an amino acid with dissimilar properties. This amino acid position is conserved. In addition, this alteration is predicted to be tolerated by in silico analysis. Based on the available evidence, the clinical significance of this variant remains unclear.

NM_000135.4(FANCA):c.230T>G (p.Val77Gly)

Gene: FANCA (FA complementation group A; minus strand). Cytogenetic location: 16q24.3.
Variant type: single nucleotide variant.
Coding change: c.230T>G on transcript NM_000135.4 (MANE Select); coding-DNA position 230, T replaced by G.
Protein change: p.Val77Gly; replaces valine 77 with glycine.
Molecular consequence: missense variant.
Genome position (GRCh38, 1-based): chr16:89,814,573, A>C on the plus strand (T>G on the coding strand, the complement: FANCA is on the minus strand). VCF-style: chr16-89814573-A-C. GRCh37 (hg19) VCF-style: chr16-89880981-A-C.
Other names: c.230T>G, p.Val77Gly (NM_001018112.3, NM_001286167.3, NM_001351830.2); short protein forms V77G.
Identifiers: ClinVar variation 5036316 (VCV005036316.1).
Genomic context (GRCh38, chr16:89,814,573, plus strand): 5'-AACTTACCTATAAATGAACTAGAATGATTAGCATAGGCCTCAGAACTGTCACAGTCAATC[A>C]CTTTGCTGAGAGACAATTTTTTACACAGTGGACCTTCTACCTAGAATCCAAAACACAACA-3'
Protein context (NP_000126.2, residues 67-87): PLCKKLSLSK[Val77Gly]IDCDSSEAYA